The following is an entry in ClinVar:

ClinVar aggregate classification (germline): Likely benign (0 of 4 stars; one submission).

Conditions:
TET1-related disorder. Also called: TET1-related condition.

Allele frequency attached by ClinVar (database versions not stated): gnomAD exomes 0.00001; gnomAD 0.00002; TOPMed 0.00003.
gnomAD v4.1: 6 of 1,614,090 alleles (0.00037%); highest among the groups gnomAD compares: African/African-American, 0.008%; no homozygotes.

Submission:

PreventionGenetics, part of Exact Sciences
Classification: Likely benign for TET1-related condition. Last evaluated: 2019-03-19. Review status: no assertion criteria provided. Collection method: clinical testing. Allele origin: germline.
Comment: This variant is classified as likely benign based on ACMG/AMP sequence variant interpretation guidelines (Richards et al. 2015 PMID: 25741868, with internal and published modifications).

NM_030625.3(TET1):c.5541C>T (p.Gly1847=)

Gene: TET1 (tet methylcytosine dioxygenase 1; plus strand). Cytogenetic location: 10q21.3.
Variant type: single nucleotide variant.
Coding change: c.5541C>T on transcript NM_030625.3 (MANE Select); coding-DNA position 5541, C replaced by T.
Protein change: p.Gly1847=; no amino-acid change (glycine 1847 retained).
Molecular consequence: synonymous variant.
Genome position (GRCh38, 1-based): chr10:68,690,944, C>T. VCF-style: chr10-68690944-C-T. GRCh37 (hg19) VCF-style: chr10-70450701-C-T.
Other names: c.5628C>T, p.Gly1876= (NM_001406365.1); c.3717C>T, p.Gly1239= (NM_001406367.1); c.3615C>T, p.Gly1205= (NM_001406368.1, NM_001406369.1, NM_001406370.1); c.3528C>T, p.Gly1176= (NM_001406371.1, NM_001406372.1); c.3135C>T, p.Gly1045= (NM_001406373.1); c.3048C>T, p.Gly1016= (NM_001406374.1); c.1272C>T, p.Gly424= (NM_001406375.1); c.1185C>T, p.Gly395= (NM_001406376.1).
Identifiers: ClinVar variation 3040857 (VCV003040857.2), dbSNP rs971626536, ClinGen allele CA208258235.